The following is an entry in ClinVar:

NM_004655.4(AXIN2):c.1481C>G (p.Pro494Arg)

Gene: AXIN2 (axin 2; minus strand). Cytogenetic location: 17q24.1.
Variant type: single nucleotide variant.
Coding change: c.1481C>G on transcript NM_004655.4 (MANE Select); coding-DNA position 1481, C replaced by G.
Protein change: p.Pro494Arg; replaces proline 494 with arginine.
Molecular consequence: missense variant.
Genome position (GRCh38, 1-based): chr17:65,537,555, G>C on the plus strand (C>G on the coding strand, the complement: AXIN2 is on the minus strand). VCF-style: chr17-65537555-G-C. GRCh37 (hg19) VCF-style: chr17-63533673-G-C.
Other names: c.1481C>G, p.Pro494Arg (NM_001363813.1); short protein forms P494R.
Identifiers: ClinVar variation 2586352 (VCV002586352.4), dbSNP rs730881396, ClinGen allele CA8718637.

ClinVar aggregate classification (germline): Uncertain significance. Review status: criteria provided, multiple submitters, no conflicts (2 of 4 stars). 2 submissions from 2 submitters: Uncertain significance (2). Last evaluated 2025-06-10.

Conditions:
Hereditary cancer-predisposing syndrome. Also called: Hereditary neoplastic syndrome; Tumor predisposition; Hereditary Cancer Syndrome; Neoplastic Syndromes, Hereditary. Identifiers: Orphanet 140162, MedGen C0027672, MeSH D009386, MONDO:0015356.
Oligodontia-cancer predisposition syndrome. Also called: TOOTH AGENESIS-COLORECTAL CANCER SYNDROME. Identifiers: Orphanet 300576, MedGen C1837750, MONDO:0012075, OMIM 608615. Disease mechanism: loss of function.

gnomAD v4.1: 2 of 1,612,186 alleles (0.00012%); highest among the groups gnomAD compares: Admixed American, 0.0033%; no homozygotes.

Submissions (2):

Labcorp Genetics (formerly Invitae), Labcorp
Classification: Uncertain significance for Oligodontia-cancer predisposition syndrome. Last evaluated: 2025-06-10. Review status: criteria provided, single submitter. Criteria: Invitae Variant Classification Sherloc (09022015). Collection method: clinical testing. Allele origin: germline.
Comment: This sequence change replaces proline, which is neutral and non-polar, with arginine, which is basic and polar, at codon 494 of the AXIN2 protein (p.Pro494Arg). This variant is present in population databases (rs730881396, gnomAD 0.006%). This variant has not been reported in the literature in individuals affected with AXIN2-related conditions. ClinVar contains an entry for this variant (Variation ID: 2586352). An algorithm developed to predict the effect of missense changes on protein structure and function (PolyPhen-2) suggests that this variant is likely to be tolerated. In summary, the available evidence is currently insufficient to determine the role of this variant in disease. Therefore, it has been classified as a Variant of Uncertain Significance.

Ambry Genetics
Classification: Uncertain significance for Hereditary cancer-predisposing syndrome. Last evaluated: 2023-08-31. Review status: criteria provided, single submitter. Criteria: Ambry Variant Classification Scheme 2023. Collection method: clinical testing. Allele origin: germline.
Comment: The p.P494R variant (also known as c.1481C>G), located in coding exon 5 of the AXIN2 gene, results from a C to G substitution at nucleotide position 1481. The proline at codon 494 is replaced by arginine, an amino acid with dissimilar properties. This amino acid position is not conserved on limited sequence alignment. In addition, this alteration is predicted to be tolerated by in silico analysis. Since supporting evidence is limited at this time, the clinical significance of this alteration remains unclear.